The following is an entry in ClinVar:

NM_000138.5(FBN1):c.2113+1G>T

Gene: FBN1 (fibrillin 1; minus strand). Cytogenetic location: 15q21.1.
Variant type: single nucleotide variant.
Coding change: c.2113+1G>T on transcript NM_000138.5 (MANE Select); the canonical splice donor site of the intron after coding-DNA position 2113, G replaced by T.
Molecular consequence: splice donor variant.
Genome position (GRCh38, 1-based): chr15:48,503,786, C>A on the plus strand (G>T on the coding strand, the complement: FBN1 is on the minus strand). VCF-style: chr15-48503786-C-A. GRCh37 (hg19) VCF-style: chr15-48795983-C-A.
Other names: c.2113+1G>T (NM_001406716.1).
Identifiers: ClinVar variation 580926 (VCV000580926.11), dbSNP rs1566913670, ClinGen allele CA392337848.
Genomic context (GRCh38, chr15:48,503,786, plus strand): 5'-CAAAGACCTCAATGGTGGCAGAAGGCTGGCAGTACGAGGGCATCTCCATGATACCACATA[C>A]CTGAATTCTGTGCAGGACACGGCTGGCAAGGTTCCCCAAATGCATACTCAGTGCTGGCGC-3'

ClinVar aggregate classification (germline): Pathogenic/Likely pathogenic. Review status: criteria provided, multiple submitters, no conflicts (2 of 4 stars). 2 submissions from 2 submitters: Pathogenic (1); Likely pathogenic (1). Last evaluated 2025-01-15.

Conditions:
Marfan syndrome (MFS). Also called: FBN1-Related Marfan Syndrome; Marfan syndrome type 1; Marfan's syndrome; Marfan syndrome, classic; MARFAN SYNDROME, TYPE I. Identifiers: Orphanet 284963, Orphanet 558, MedGen C0024796, MONDO:0007947, OMIM 154700.
Familial thoracic aortic aneurysm and aortic dissection (TAAD). Also called: Thoracic aortic aneurysms and dissections. Identifiers: Orphanet 91387, MedGen C4707243, MONDO:0019625.

Submissions (2):

Department of Human Genetics, Hannover Medical School
Classification: Likely pathogenic for Marfan syndrome. Last evaluated: 2025-01-15. Review status: criteria provided, single submitter. Criteria: ACMG Guidelines, 2015. Collection method: clinical testing. Allele origin: germline. Inheritance: Autosomal dominant inheritance. Affected: yes.
Comment: ClinGen VCEP: PVS1_Strong, PM2_Supporting, PP4

Labcorp Genetics (formerly Invitae), Labcorp
Classification: Pathogenic for Marfan syndrome; Familial thoracic aortic aneurysm and aortic dissection. Last evaluated: 2018-09-06. Review status: criteria provided, single submitter. Criteria: Invitae Variant Classification Sherloc (09022015). Collection method: clinical testing. Allele origin: germline.
Comment: This sequence change affects a donor splice site in intron 17 of the FBN1 gene. It is expected to disrupt RNA splicing and likely results in an absent or disrupted protein product. This variant is not present in population databases (ExAC no frequency). Disruption of this splice site has been observed in individuals affected with Marfan syndrome or clinical features of this disease (PMID: 26787436, Invitae). Algorithms developed to predict the effect of sequence changes on RNA splicing suggest that this variant may disrupt the consensus splice site, but this prediction has not been confirmed by published transcriptional studies. Donor and acceptor splice site variants typically lead to a loss of protein function (PMID: 16199547), and loss-of-function variants in FBN1 are known to be pathogenic (PMID: 17657824, 19293843). For these reasons, this variant has been classified as Pathogenic.

Literature cited by the submitters: PubMed 26787436 (cited by Labcorp Genetics (formerly Invitae), Labcorp); PubMed 16199547 (cited by Labcorp Genetics (formerly Invitae), Labcorp); PubMed 17657824 (cited by Labcorp Genetics (formerly Invitae), Labcorp); PubMed 19293843 (cited by Labcorp Genetics (formerly Invitae), Labcorp).